The following is an entry in ClinVar:

NM_001032283.3(TMPO):c.287C>T (p.Thr96Ile)

Gene: TMPO (thymopoietin; plus strand). Cytogenetic location: 12q23.1.
Variant type: single nucleotide variant.
Coding change: c.287C>T on transcript NM_001032283.3 (MANE Select); coding-DNA position 287, C replaced by T.
Protein change: p.Thr96Ile; replaces threonine 96 with isoleucine.
Molecular consequence: missense variant.
Genome position (GRCh38, 1-based): chr12:98,527,893, C>T. VCF-style: chr12-98527893-C-T. GRCh37 (hg19) VCF-style: chr12-98921671-C-T.
Other names: c.287C>T, p.Thr96Ile (NM_001032284.3, NM_001307975.2, NM_003276.2); short protein forms T96I.
Identifiers: ClinVar variation 2046350 (VCV002046350.5), dbSNP rs1876900973, ClinGen allele CA386150708.

ClinVar aggregate classification (germline): Uncertain significance. Review status: criteria provided, multiple submitters, no conflicts (2 of 4 stars). 2 submissions from 2 submitters: Uncertain significance (2). Last evaluated 2024-11-27.

Conditions:
Loeys-Dietz syndrome 2 (LDS2). Also called: TGFBR2-Related Loeys-Dietz Syndrome; AORTIC ANEURYSM, FAMILIAL THORACIC 3; MARFAN SYNDROME, TYPE II; Marfan syndrome, type 2 (formerly); Marfan Syndrome type 2; Marfan like connective tissue disorder. Identifiers: Orphanet 284973, Orphanet 558, MedGen C2674574, MONDO:0012427, OMIM 610168.

Allele frequency attached by ClinVar (database versions not stated): gnomAD exomes below 0.00001; TOPMed below 0.00001.
gnomAD v4.1: 3 of 1,612,492 alleles (0.00019%); highest among the groups gnomAD compares: Non-Finnish European, 0.00025%; no homozygotes.

Submissions (2):

Ambry Genetics
Classification: Uncertain significance. Last evaluated: 2024-11-27. Review status: criteria provided, single submitter. Criteria: Ambry Variant Classification Scheme 2023. Collection method: clinical testing. Allele origin: germline.
Comment: The p.T96I variant (also known as c.287C>T), located in coding exon 2 of the TMPO gene, results from a C to T substitution at nucleotide position 287. The threonine at codon 96 is replaced by isoleucine, an amino acid with similar properties. This amino acid position is conserved. In addition, the in silico prediction for this alteration is inconclusive. Based on the available evidence, the clinical significance of this variant remains unclear.

Labcorp Genetics (formerly Invitae), Labcorp
Classification: Uncertain significance for Loeys-Dietz syndrome 2. Last evaluated: 2022-01-26. Review status: criteria provided, single submitter. Criteria: Invitae Variant Classification Sherloc (09022015). Collection method: clinical testing. Allele origin: germline.
Comment: This sequence change replaces threonine, which is neutral and polar, with isoleucine, which is neutral and non-polar, at codon 96 of the TMPO protein (p.Thr96Ile). This variant is not present in population databases (gnomAD no frequency). This variant has not been reported in the literature in individuals affected with TMPO-related conditions. Algorithms developed to predict the effect of missense changes on protein structure and function (SIFT, PolyPhen-2, Align-GVGD) all suggest that this variant is likely to be disruptive. In summary, the available evidence is currently insufficient to determine the role of this variant in disease. Therefore, it has been classified as a Variant of Uncertain Significance.